The following is an entry in ClinVar:

NM_006907.4(PYCR1):c.261G>A (p.Glu87=)

Gene: PYCR1 (pyrroline-5-carboxylate reductase 1; minus strand). Cytogenetic location: 17q25.3.
Variant type: single nucleotide variant.
Coding change: c.261G>A on transcript NM_006907.4 (MANE Select); coding-DNA position 261, G replaced by A.
Protein change: p.Glu87=; no amino-acid change (glutamic acid 87 retained).
Molecular consequence: synonymous variant.
Genome position (GRCh38, 1-based): chr17:81,935,394, C>T on the plus strand (G>A on the coding strand, the complement: PYCR1 is on the minus strand). VCF-style: chr17-81935394-C-T. GRCh37 (hg19) VCF-style: chr17-79893270-C-T.
Other names: c.261G>A, p.Glu87= (NM_001282279.2, NM_001282280.2, NM_001330523.2 and 1 more transcripts); c.342G>A, p.Glu114= (NM_001282281.2).
Identifiers: ClinVar variation 325911 (VCV000325911.54), dbSNP rs138261889, ClinGen allele CA8845513.

ClinVar aggregate classification (germline): Conflicting classifications of pathogenicity. Review status: criteria provided, conflicting classifications (1 of 4 stars). 5 submissions from 5 submitters: Uncertain significance (1); Benign (1); Likely benign (3). Last evaluated 2026-08-01.

Conditions:
Cutis laxa. Identifiers: Orphanet 209, MedGen C0010495, MONDO:0016175, HP:0000973.

Allele frequency attached by ClinVar (database versions not stated): 1000 Genomes Project 0.00060; 1000 Genomes Project 30x 0.00094; ESP Exome Variant Server 0.00131; gnomAD 0.00144 and 0.00145; gnomAD exomes 0.00144 and 0.00186; TOPMed 0.00145; ExAC 0.00161.
gnomAD v4.1: 2,944 of 1,613,628 alleles (0.18%); highest among the groups gnomAD compares: Non-Finnish European, 0.22%; 5 homozygotes.

Submissions (5):

CeGaT Center for Human Genetics Tuebingen
Classification: Likely benign. Last evaluated: 2026-08-01. Review status: criteria provided, single submitter. Criteria: CeGaT Center For Human Genetics Tuebingen Variant Classification Criteria Version 2. Collection method: clinical testing. Allele origin: germline. Affected: yes. Observed: 11 variant alleles.
Comment: PYCR1: BP4, BP7

Labcorp Genetics (formerly Invitae), Labcorp
Classification: Benign. Last evaluated: 2026-02-04. Review status: criteria provided, single submitter. Criteria: Invitae Variant Classification Sherloc (09022015). Collection method: clinical testing. Allele origin: germline.

Blueprint Genetics
Classification: Likely benign. Last evaluated: 2024-11-14. Review status: criteria provided, single submitter. Criteria: ACMG Guidelines, 2015. Collection method: clinical testing. Allele origin: germline.

GeneDx
Classification: Likely benign. Last evaluated: 2020-06-16. Review status: criteria provided, single submitter. Criteria: GeneDx Variant Classification Process June 2021. Collection method: clinical testing. Allele origin: germline. Affected: yes.

Illumina Laboratory Services, Illumina
Classification: Uncertain significance for Cutis laxa. Last evaluated: 2018-01-12. Review status: criteria provided, single submitter. Criteria: ICSL Variant Classification Criteria 13 December 2019. Collection method: clinical testing. Allele origin: germline.